The following is an entry in ClinVar:

ClinVar aggregate classification (germline): Likely pathogenic (1 of 4 stars; one submission).

Conditions:
Noonan syndrome 4 (NS4). Also called: NOONAN SYNDROME WITH PIGMENTED VILLONODULAR SYNOVITIS; SOS1-Related Noonan Syndrome. Identifiers: Orphanet 648, MedGen C1853120, MONDO:0012547, OMIM 610733.

Submission:

3billion
Classification: Likely pathogenic for Noonan syndrome 4. Last evaluated: 2022-01-03. Review status: criteria provided, single submitter. Criteria: ACMG Guidelines, 2015. Collection method: clinical testing. Allele origin: germline. Affected: yes. Observed: 1 heterozygote.
Comment: A different missense change at the same codon has been reported as pathogenic/likely pathogenic with strong evidence (ClinVar ID: VCV000045379, PMID:17143285, PM5_M). In silico tool predictions suggest damaging effect of the variant on gene or gene product (3CNET: 0.753, PP3_P). A missense variant is a common mechanism associated with Noonan syndrome 4 (PP2_P). It is not observed in the gnomAD v2.1.1 dataset (PM2_M). Therefore, this variant is classified as likely pathogenic according to the recommendation of ACMG/AMP guideline.

Literature cited by the submitters: PubMed 17143285.

NM_005633.4(SOS1):c.925G>A (p.Asp309Asn)

Gene: SOS1 (SOS Ras/Rac guanine nucleotide exchange factor 1; minus strand). Cytogenetic location: 2p22.1.
Variant type: single nucleotide variant.
Coding change: c.925G>A on transcript NM_005633.4 (MANE Select); coding-DNA position 925, G replaced by A.
Protein change: p.Asp309Asn; replaces aspartic acid 309 with asparagine.
Molecular consequence: missense variant.
Genome position (GRCh38, 1-based): chr2:39,035,440, C>T on the plus strand (G>A on the coding strand, the complement: SOS1 is on the minus strand). VCF-style: chr2-39035440-C-T. GRCh37 (hg19) VCF-style: chr2-39262581-C-T.
Other names: c.904G>A, p.Asp302Asn (NM_001382394.1); c.925G>A, p.Asp309Asn (NM_001382395.1); short protein forms D302N, D309N.
Identifiers: ClinVar variation 1333569 (VCV001333569.1), dbSNP rs397517180, ClinGen allele CA346367393.